The following is an entry in ClinVar:

ClinVar aggregate classification (germline): Uncertain significance (1 of 4 stars; one submission).

Allele frequency attached by ClinVar (database versions not stated): gnomAD exomes 0.00005 and 0.00013; gnomAD 0.00006 and 0.00007; ESP Exome Variant Server 0.00008; ExAC 0.00010; TOPMed 0.00013.
gnomAD v4.1: 85 of 1,613,540 alleles (0.0053%); highest among the groups gnomAD compares: Admixed American, 0.043%; no homozygotes.

Submission:

Labcorp Genetics (formerly Invitae), Labcorp
Classification: Uncertain significance. Last evaluated: 2022-08-15. Review status: criteria provided, single submitter. Criteria: Invitae Variant Classification Sherloc (09022015). Collection method: clinical testing. Allele origin: germline.
Comment: This sequence change replaces valine, which is neutral and non-polar, with isoleucine, which is neutral and non-polar, at codon 3204 of the PCLO protein (p.Val3204Ile). This variant is present in population databases (rs372400831, gnomAD 0.05%). This variant has not been reported in the literature in individuals affected with PCLO-related conditions. ClinVar contains an entry for this variant (Variation ID: 1376327). Algorithms developed to predict the effect of missense changes on protein structure and function output the following: SIFT: "Tolerated"; PolyPhen-2: "Not Available"; Align-GVGD: "Class C0". The isoleucine amino acid residue is found in multiple mammalian species, which suggests that this missense change does not adversely affect protein function. In summary, the available evidence is currently insufficient to determine the role of this variant in disease. Therefore, it has been classified as a Variant of Uncertain Significance.

NM_033026.6(PCLO):c.9610G>A (p.Val3204Ile)

Gene: PCLO (piccolo presynaptic cytomatrix protein; minus strand). Cytogenetic location: 7q21.11.
Variant type: single nucleotide variant.
Coding change: c.9610G>A on transcript NM_033026.6 (MANE Select); coding-DNA position 9610, G replaced by A.
Protein change: p.Val3204Ile; replaces valine 3204 with isoleucine.
Molecular consequence: missense variant.
Genome position (GRCh38, 1-based): chr7:82,950,978, C>T on the plus strand (G>A on the coding strand, the complement: PCLO is on the minus strand). VCF-style: chr7-82950978-C-T. GRCh37 (hg19) VCF-style: chr7-82580294-C-T.
Other names: c.9610G>A, p.Val3204Ile (NM_014510.3); short protein forms V3204I.
Identifiers: ClinVar variation 1376327 (VCV001376327.3), dbSNP rs372400831, ClinGen allele CA4319885.
Genomic context (GRCh38, chr7:82,950,978, plus strand): 5'-CCAGTTCCAGGAGCTCACGCTCCAAGTCTAGCTGCTGCTGTTGTTTATCTTCTTCAGGGA[C>T]AATTAAAAGAGCACTTTCATCTCCCACCACTTCAGGAAACACTTCGGATGCTGTGGTTAA-3'
Protein context (NP_149015.2, residues 3194-3214): VVGDESALLI[Val3204Ile]PEEDKQQQQL